The following is an entry in ClinVar:

NM_014889.4(PITRM1):c.3009C>T (p.Ala1003=)

Gene: PITRM1 (pitrilysin metallopeptidase 1; minus strand). Cytogenetic location: 10p15.2.
Variant type: single nucleotide variant.
Coding change: c.3009C>T on transcript NM_014889.4 (MANE Select); coding-DNA position 3009, C replaced by T.
Protein change: p.Ala1003=; no amino-acid change (alanine 1003 retained).
Molecular consequence: synonymous variant. On other transcripts: non-coding transcript variant (4).
Genome position (GRCh38, 1-based): chr10:3,138,246, G>A on the plus strand (C>T on the coding strand, the complement: PITRM1 is on the minus strand). VCF-style: chr10-3138246-G-A. GRCh37 (hg19) VCF-style: chr10-3180438-G-A.
Other names: c.3012C>T, p.Ala1004= (NM_001242307.2); c.2715C>T, p.Ala905= (NM_001242309.1); c.2811C>T, p.Ala937= (NM_001347725.2); c.2196C>T, p.Ala732= (NM_001347726.2); c.2394C>T, p.Ala798= (NM_001347727.2); c.1704C>T, p.Ala568= (NM_001347728.2); c.2985C>T, p.Ala995= (NM_001347729.1); c.2787C>T, p.Ala929= (NM_001347730.1).
Identifiers: ClinVar variation 4681647 (VCV004681647.6).

ClinVar aggregate classification (germline): Likely benign. Review status: criteria provided, multiple submitters, no conflicts (2 of 4 stars). 2 submissions from 2 submitters: Likely benign (2). Last evaluated 2025-12-01.

gnomAD v4.1: 52 of 1,612,572 alleles (0.0032%); highest among the groups gnomAD compares: African/African-American, 0.015%; no homozygotes.

Submissions (2):

CeGaT Center for Human Genetics Tuebingen
Classification: Likely benign. Last evaluated: 2025-12-01. Review status: criteria provided, single submitter. Criteria: CeGaT Center For Human Genetics Tuebingen Variant Classification Criteria Version 2. Collection method: clinical testing. Allele origin: germline. Affected: yes. Observed: 1 variant allele.
Comment: PITRM1: BP4, BP7

Labcorp Genetics (formerly Invitae), Labcorp
Classification: Likely benign. Last evaluated: 2025-04-26. Review status: criteria provided, single submitter. Criteria: Invitae Variant Classification Sherloc (09022015). Collection method: clinical testing. Allele origin: germline.